The following is an entry in ClinVar:

NM_001292063.2(OTOG):c.1723G>T (p.Ala575Ser)

Gene: OTOG (otogelin; plus strand). Cytogenetic location: 11p15.1.
Variant type: single nucleotide variant.
Coding change: c.1723G>T on transcript NM_001292063.2 (MANE Select); coding-DNA position 1723, G replaced by T.
Protein change: p.Ala575Ser; replaces alanine 575 with serine.
Molecular consequence: missense variant.
Genome position (GRCh38, 1-based): chr11:17,569,234, G>T. VCF-style: chr11-17569234-G-T. GRCh37 (hg19) VCF-style: chr11-17590781-G-T.
Other names: c.1759G>T, p.Ala587Ser (NM_001277269.2); short protein forms A575S, A587S.
Identifiers: ClinVar variation 1376136 (VCV001376136.8), dbSNP rs1266983964, ClinGen allele CA379819451.
Genomic context (GRCh38, chr11:17,569,234, plus strand): 5'-GTCCAGTCAGTGTCAGTGATTCTGCACCAGGACCCTCGGAGGCAGGTGACCCTGACCCAG[G>T]CAGGGGATGTCCTTCTGTTTGACCAGTACAAGATCATCCCGCCATACACAGATGGTACGG-3'
Protein context (NP_001278992.1, residues 565-585): DPRRQVTLTQ[Ala575Ser]GDVLLFDQYK

ClinVar aggregate classification (germline): Uncertain significance (1 of 4 stars; one submission).

Submission:

Labcorp Genetics (formerly Invitae), Labcorp
Classification: Uncertain significance. Last evaluated: 2023-08-04. Review status: criteria provided, single submitter. Criteria: Invitae Variant Classification Sherloc (09022015). Collection method: clinical testing. Allele origin: germline.
Comment: Algorithms developed to predict the effect of missense changes on protein structure and function output the following: SIFT: "Not Available"; PolyPhen-2: "Benign"; Align-GVGD: "Not Available". The serine amino acid residue is found in multiple mammalian species, which suggests that this missense change does not adversely affect protein function. This variant is not present in population databases (gnomAD no frequency). This variant has not been reported in the literature in individuals affected with OTOG-related conditions. ClinVar contains an entry for this variant (Variation ID: 1376136). In summary, the available evidence is currently insufficient to determine the role of this variant in disease. Therefore, it has been classified as a Variant of Uncertain Significance. This sequence change replaces alanine, which is neutral and non-polar, with serine, which is neutral and polar, at codon 587 of the OTOG protein (p.Ala587Ser).